The following is an entry in ClinVar:

NM_007294.4(BRCA1):c.620T>C (p.Ile207Thr)

Gene: BRCA1 (BRCA1 DNA repair associated; minus strand). Cytogenetic location: 17q21.31.
Variant type: single nucleotide variant.
Coding change: c.620T>C on transcript NM_007294.4 (MANE Select); coding-DNA position 620, T replaced by C.
Protein change: p.Ile207Thr; replaces isoleucine 207 with threonine.
Molecular consequence: missense variant. On other transcripts: non-coding transcript variant (1).
Genome position (GRCh38, 1-based): chr17:43,095,896, A>G on the plus strand (T>C on the coding strand, the complement: BRCA1 is on the minus strand). VCF-style: chr17-43095896-A-G. GRCh37 (hg19) VCF-style: chr17-41247913-A-G.
Other names: c.620T>C, p.Ile207Thr (NM_001407642.1, NM_001407652.1, NM_001407684.1 and 59 more transcripts); c.617T>C, p.Ile206Thr (NM_001407644.1, NM_001407645.1, NM_001407860.1 and 41 more transcripts); c.611T>C, p.Ile204Thr (NM_001407646.1, NM_001407647.1, NM_001408408.1); c.542T>C, p.Ile181Thr (NM_001407653.1, NM_001407654.1, NM_001407655.1 and 9 more transcripts); c.539T>C, p.Ile180Thr (NM_001407659.1, NM_001407660.1, NM_001407661.1 and 3 more transcripts); c.479T>C, p.Ile160Thr (NM_001407692.1, NM_001407694.1, NM_001407695.1 and 43 more transcripts); c.476T>C, p.Ile159Thr (NM_001407740.1, NM_001407741.1, NM_001407742.1 and 26 more transcripts); c.407T>C, p.Ile136Thr (NM_001407853.1, NM_001407894.1, NM_001407895.1 and 12 more transcripts); and 4 more; short protein forms I160T, I162T, I180T, I136T, I204T, I79T, I137T, I159T.
Identifiers: ClinVar variation 2129908 (VCV002129908.5), dbSNP rs2154514633, ClinGen allele CA10600862.

ClinVar aggregate classification (germline): Uncertain significance. Review status: criteria provided, multiple submitters, no conflicts (2 of 4 stars). 2 submissions from 2 submitters: Uncertain significance (2). Last evaluated 2026-06-29.

Conditions:
Hereditary breast ovarian cancer syndrome. Also called: Hereditary breast and ovarian cancer; Hereditary breast and/or ovarian cancer syndrome; Breast and ovarian cancer; Hereditary breast and ovarian cancer syndrome; Hereditary breast and ovarian cancer syndrome (HBOC); BRCA1- and BRCA2-Associated Hereditary Breast and Ovarian Cancer. Identifiers: Orphanet 145, MedGen C0677776, MeSH D061325, MONDO:0003582. Disease mechanism: loss of function.
Hereditary cancer-predisposing syndrome. Also called: Tumor predisposition; Hereditary Cancer Syndrome; Hereditary neoplastic syndrome; Neoplastic Syndromes, Hereditary. Identifiers: Orphanet 140162, MedGen C0027672, MeSH D009386, MONDO:0015356.

Submissions (2):

Ambry Genetics
Classification: Uncertain significance for Hereditary cancer-predisposing syndrome. Last evaluated: 2026-06-29. Review status: criteria provided, single submitter. Criteria: Ambry Variant Classification Scheme 2023. Collection method: clinical testing. Allele origin: germline.
Comment: The p.I207T variant (also known as c.620T>C), located in coding exon 8 of the BRCA1 gene, results from a T to C substitution at nucleotide position 620. The isoleucine at codon 207 is replaced by threonine, an amino acid with similar properties. This amino acid position is not well conserved in available vertebrate species. In addition, the in silico prediction for this alteration is inconclusive. Based on the available evidence, the clinical significance of this variant remains unclear.

Labcorp Genetics (formerly Invitae), Labcorp
Classification: Uncertain significance for Hereditary breast ovarian cancer syndrome. Last evaluated: 2022-09-04. Review status: criteria provided, single submitter. Criteria: Invitae Variant Classification Sherloc (09022015). Collection method: clinical testing. Allele origin: germline.
Comment: In summary, the available evidence is currently insufficient to determine the role of this variant in disease. Therefore, it has been classified as a Variant of Uncertain Significance. Advanced modeling of protein sequence and biophysical properties (such as structural, functional, and spatial information, amino acid conservation, physicochemical variation, residue mobility, and thermodynamic stability) performed at Invitae indicates that this missense variant is not expected to disrupt BRCA1 protein function. This variant has not been reported in the literature in individuals affected with BRCA1-related conditions. This variant is not present in population databases (gnomAD no frequency). This sequence change replaces isoleucine, which is neutral and non-polar, with threonine, which is neutral and polar, at codon 207 of the BRCA1 protein (p.Ile207Thr).